The following is an entry in ClinVar:

ClinVar aggregate classification (germline): Uncertain significance (1 of 4 stars; one submission).

Submission:

GeneDx
Classification: Uncertain significance. Last evaluated: 2025-03-16. Review status: criteria provided, single submitter. Criteria: GeneDx Variant Classification Process June 2021. Collection method: clinical testing. Allele origin: germline. Affected: yes.
Comment: Not observed at significant frequency in large population cohorts (gnomAD); In silico analysis indicates that this missense variant does not alter protein structure/function; Has not been previously published as pathogenic or benign to our knowledge

NM_018684.4(ZC4H2):c.357G>T (p.Arg119Ser)

Gene: ZC4H2 (zinc finger C4H2-type containing; minus strand). Cytogenetic location: Xq11.2.
Variant type: single nucleotide variant.
Coding change: c.357G>T on transcript NM_018684.4 (MANE Select); coding-DNA position 357, G replaced by T.
Protein change: p.Arg119Ser; replaces arginine 119 with serine.
Molecular consequence: missense variant. On other transcripts: non-coding transcript variant (1).
Genome position (GRCh38, 1-based): chrX:64,920,122, C>A on the plus strand (G>T on the coding strand, the complement: ZC4H2 is on the minus strand). VCF-style: chrX-64920122-C-A. GRCh37 (hg19) VCF-style: chrX-64140002-C-A.
Other names: c.288G>T, p.Arg96Ser (NM_001178032.3, NM_001243804.2); c.357G>T, p.Arg119Ser (NM_001178033.3); short protein forms R119S, R96S.
Identifiers: ClinVar variation 4088215 (VCV004088215.1).